The following is an entry in ClinVar:

ClinVar aggregate classification (germline): Conflicting classifications of pathogenicity. Review status: criteria provided, conflicting classifications (1 of 4 stars). 4 submissions from 4 submitters: Uncertain significance (3); Likely benign (1). Last evaluated 2025-10-14.

Conditions:
Deficiency of cytochrome-b5 reductase. Also called: METHEMOGLOBINEMIA, CONGENITAL, AUTOSOMAL RECESSIVE; NADH-DEPENDENT METHEMOGLOBIN REDUCTASE DEFICIENCY. Identifiers: Orphanet 621, MedGen C0268193, MONDO:0009606, OMIM 250800.

Allele frequency attached by ClinVar (database versions not stated): gnomAD exomes 0.00008 and 0.00027; ExAC 0.00038; 1000 Genomes Project 0.00040; 1000 Genomes Project 30x 0.00047; gnomAD 0.00075 and 0.00083; TOPMed 0.00104; ESP Exome Variant Server 0.00138.

Submissions (4):

Labcorp Genetics (formerly Invitae), Labcorp
Classification: Likely benign. Last evaluated: 2025-10-14. Review status: criteria provided, single submitter. Criteria: Invitae Variant Classification Sherloc (09022015). Collection method: clinical testing. Allele origin: germline.

Revvity Omics, Revvity
Classification: Uncertain significance for Deficiency of cytochrome-b5 reductase. Last evaluated: 2025-01-03. Review status: criteria provided, single submitter. Criteria: ACMG Guidelines, 2015. Collection method: clinical testing. Allele origin: germline.

GeneDx
Classification: Uncertain significance. Last evaluated: 2024-07-09. Review status: criteria provided, single submitter. Criteria: GeneDx Variant Classification Process June 2021. Collection method: clinical testing. Allele origin: germline. Affected: yes.
Comment: Reported as apparently homozygous in an individual with CYB5R3-related methemoglobinemia in the published literature (PMID: 8639921); In silico analysis supports that this missense variant has a deleterious effect on protein structure/function; This variant is associated with the following publications: (PMID: 8639921)

ARUP Laboratories, Molecular Genetics and Genomics, ARUP Laboratories
Classification: Uncertain significance. Last evaluated: 2023-11-22. Review status: criteria provided, single submitter. Criteria: ARUP Molecular Germline Variant Investigation Process 2024. Collection method: clinical testing. Allele origin: germline.

NM_000398.7(CYB5R3):c.637G>A (p.Glu213Lys)

Gene: CYB5R3 (cytochrome b5 reductase 3; minus strand). Cytogenetic location: 22q13.2.
Variant type: single nucleotide variant.
Coding change: c.637G>A on transcript NM_000398.7 (MANE Select); coding-DNA position 637, G replaced by A.
Protein change: p.Glu213Lys; replaces glutamic acid 213 with lysine.
Molecular consequence: missense variant.
Genome position (GRCh38, 1-based): chr22:42,623,885, C>T on the plus strand (G>A on the coding strand, the complement: CYB5R3 is on the minus strand). VCF-style: chr22-42623885-C-T. GRCh37 (hg19) VCF-style: chr22-43019891-C-T.
Other names: c.568G>A, p.Glu190Lys (NM_001129819.2, NM_001171661.1, NM_007326.4); c.736G>A, p.Glu246Lys (NM_001171660.2); c.637G>A (NM_000398.6); short protein forms E190K, E213K, E246K.
Identifiers: ClinVar variation 1608651 (VCV001608651.19), dbSNP rs61745147, ClinGen allele CA10269616.